The following is an entry in ClinVar:

ClinVar aggregate classification (germline): Uncertain significance. Review status: criteria provided, multiple submitters, no conflicts (2 of 4 stars). 5 submissions from 5 submitters: Uncertain significance (5). Last evaluated 2025-08-04.

Conditions:
Cardiomyopathy (CMYO). Also called: Cardiomyopathies. Identifiers: Orphanet 167848, MedGen C0878544, MONDO:0004994, HP:0001638. Inheritance: Various modes of inheritance.
Cardiovascular phenotype. Identifiers: MedGen CN230736.
Arrhythmogenic right ventricular dysplasia 5. Also called: Arrhythmogenic Right Ventricular Dysplasia/Cardiomyopathy 5; ARRHYTHMOGENIC RIGHT VENTRICULAR DYSPLASIA, FAMILIAL, 5. Identifiers: MedGen C1858379, MONDO:0011459, OMIM 604400.

Allele frequency attached by ClinVar (database versions not stated): TOPMed below 0.00001; gnomAD 0.00001.
gnomAD v4.1: 7 of 1,613,960 alleles (0.00043%); highest among the groups gnomAD compares: Non-Finnish European, 0.00059%; no homozygotes.

Submissions (5):

Color Diagnostics, LLC DBA Color Health
Classification: Uncertain significance for Cardiomyopathy. Last evaluated: 2025-08-04. Review status: criteria provided, single submitter. Criteria: ACMG Guidelines, 2015. Collection method: clinical testing. Allele origin: germline.
Comment: This missense variant replaces glycine with valine at codon 195 of the TMEM43 protein. Computational prediction suggests that this variant may not impact protein structure and function. To our knowledge, functional studies have not been reported for this variant. This variant has not been reported in individuals affected with TMEM43-related disorders in the literature. This variant has been identified in 1/251470 chromosomes in the general population by the Genome Aggregation Database (gnomAD). The available evidence is insufficient to determine the role of this variant in disease conclusively. Therefore, this variant is classified as a Variant of Uncertain Significance.

GeneDx
Classification: Uncertain significance. Last evaluated: 2025-08-01. Review status: criteria provided, single submitter. Criteria: GeneDx Variant Classification Process June 2021. Collection method: clinical testing. Allele origin: germline. Affected: yes.
Comment: Not observed at significant frequency in large population cohorts (gnomAD); In silico analysis supports that this missense variant has a deleterious effect on protein structure/function; Has not been previously published as pathogenic or benign to our knowledge

Ambry Genetics
Classification: Uncertain significance for Cardiovascular phenotype. Last evaluated: 2024-11-10. Review status: criteria provided, single submitter. Criteria: Ambry Variant Classification Scheme 2023. Collection method: clinical testing. Allele origin: germline.
Comment: The p.G195V variant (also known as c.584G>T) is located in coding exon 8 of the TMEM43 gene. The glycine at codon 195 is replaced by valine, an amino acid with dissimilar properties. This change occurs in the first base pair of coding exon 8. This amino acid position is conserved. In addition, the in silico prediction for this alteration is inconclusive. Based on the available evidence, the clinical significance of this variant remains unclear.

Labcorp Genetics (formerly Invitae), Labcorp
Classification: Uncertain significance for Arrhythmogenic right ventricular dysplasia 5. Last evaluated: 2023-08-11. Review status: criteria provided, single submitter. Criteria: Invitae Variant Classification Sherloc (09022015). Collection method: clinical testing. Allele origin: germline.
Comment: In summary, the available evidence is currently insufficient to determine the role of this variant in disease. Therefore, it has been classified as a Variant of Uncertain Significance. An algorithm developed to predict the effect of missense changes on protein structure and function (PolyPhen-2) suggests that this variant is likely to be disruptive. ClinVar contains an entry for this variant (Variation ID: 1979460). This variant has not been reported in the literature in individuals affected with TMEM43-related conditions. This variant is present in population databases (no rsID available, gnomAD 0.0009%). This sequence change replaces glycine, which is neutral and non-polar, with valine, which is neutral and non-polar, at codon 195 of the TMEM43 protein (p.Gly195Val).

Blueprint Genetics
Classification: Uncertain significance. Last evaluated: 2019-06-06. Review status: criteria provided, single submitter. Criteria: ACMG Guidelines, 2015. Collection method: clinical testing. Allele origin: germline.

NM_024334.3(TMEM43):c.584G>T (p.Gly195Val)

Gene: TMEM43 (transmembrane protein 43; plus strand). Cytogenetic location: 3p25.1.
Variant type: single nucleotide variant.
Coding change: c.584G>T on transcript NM_024334.3 (MANE Select); coding-DNA position 584, G replaced by T.
Protein change: p.Gly195Val; replaces glycine 195 with valine.
Molecular consequence: missense variant.
Genome position (GRCh38, 1-based): chr3:14,134,770, G>T. VCF-style: chr3-14134770-G-T. GRCh37 (hg19) VCF-style: chr3-14176270-G-T.
Other names: c.587G>T, p.Gly196Val (NM_001407274.1); c.584G>T, p.Gly195Val (NM_001407275.1, NM_001407276.1, NM_001407277.1 and 1 more transcripts); c.569G>T, p.Gly190Val (NM_001407278.1); c.434G>T, p.Gly145Val (NM_001407280.1); short protein forms G196V, G145V, G195V, G190V.
Identifiers: ClinVar variation 1979460 (VCV001979460.6), dbSNP rs1458517961, ClinGen allele CA351535426.
Genomic context (GRCh38, chr3:14,134,770, plus strand): 5'-CTTTGCAGATTGAGGTTTTCACCTGGTCCCCTGGGTTTCTAACCACTCTGGTCCCCTCAG[G>T]CCTCATCGACAAAGTCGACAACTTCAAGTCCCTGAGCCTATCCAAGCTGGAGGACCCTCA-3'
Protein context (NP_077310.1, residues 185-205): VQIGRFFLSS[Gly195Val]LIDKVDNFKS